The following is an entry in ClinVar:

ClinVar aggregate classification (germline): Likely benign. Review status: criteria provided, multiple submitters, no conflicts (2 of 4 stars). 5 submissions from 5 submitters: Likely benign (5). Last evaluated 2026-01-18.

Conditions:
Hereditary insensitivity to pain with anhidrosis (CIPA). Also called: hereditary sensory and autonomic neuropathy type 4; NEUROPATHY, CONGENITAL SENSORY, WITH ANHIDROSIS; INSENSITIVITY TO PAIN, CONGENITAL, WITH ANHIDROSIS; HSAN Type IV; NTRK1 Congenital Insensitivity to Pain with Anhidrosis; FAMILIAL DYSAUTONOMIA, TYPE II. Identifiers: Orphanet 642, MedGen C0020074, MONDO:0009746, OMIM 256800.
NTRK1-related disorder. Also called: NTRK1-related condition.
Inborn genetic diseases. Identifiers: MedGen C0950123, MeSH D030342.

Allele frequency attached by ClinVar (database versions not stated): TOPMed below 0.00001; gnomAD 0.00001; gnomAD exomes 0.00001; ExAC 0.00002.
gnomAD v4.1: 21 of 1,613,732 alleles (0.0013%); highest among the groups gnomAD compares: Middle Eastern, 0.016%; no homozygotes.

Submissions (5):

Labcorp Genetics (formerly Invitae), Labcorp
Classification: Likely benign for Hereditary insensitivity to pain with anhidrosis. Last evaluated: 2026-01-18. Review status: criteria provided, single submitter. Criteria: Invitae Variant Classification Sherloc (09022015). Collection method: clinical testing. Allele origin: germline.

PreventionGenetics, part of Exact Sciences
Classification: Likely benign for NTRK1-related condition. Last evaluated: 2025-06-03. Review status: criteria provided, single submitter. Criteria: ACMG Guidelines, 2015. Collection method: clinical testing. Allele origin: germline.
Comment: This variant is classified as likely benign based on ACMG/AMP sequence variant interpretation guidelines (Richards et al. 2015 PMID: 25741868, with internal and published modifications).

CeGaT Center for Human Genetics Tuebingen
Classification: Likely benign. Last evaluated: 2024-12-01. Review status: criteria provided, single submitter. Criteria: CeGaT Center For Human Genetics Tuebingen Variant Classification Criteria Version 2. Collection method: clinical testing. Allele origin: germline. Affected: yes. Observed: 2 variant alleles.
Comment: NTRK1: BP4, BP7

Genome-Nilou Lab
Classification: Likely benign for Hereditary insensitivity to pain with anhidrosis. Last evaluated: 2023-04-11. Review status: criteria provided, single submitter. Criteria: ACMG Guidelines, 2015. Collection method: clinical testing. Allele origin: germline. Affected: no.

Ambry Genetics
Classification: Likely benign for Inborn genetic diseases. Last evaluated: 2019-07-11. Review status: criteria provided, single submitter. Criteria: Ambry Variant Classification Scheme 2023. Collection method: clinical testing. Allele origin: germline.

NM_002529.4(NTRK1):c.1437C>T (p.Thr479=)

Gene: NTRK1 (neurotrophic receptor tyrosine kinase 1; plus strand). Cytogenetic location: 1q23.1.
Variant type: single nucleotide variant.
Coding change: c.1437C>T on transcript NM_002529.4 (MANE Select); coding-DNA position 1437, C replaced by T.
Protein change: p.Thr479=; no amino-acid change (threonine 479 retained).
Molecular consequence: synonymous variant.
Genome position (GRCh38, 1-based): chr1:156,875,602, C>T. VCF-style: chr1-156875602-C-T. GRCh37 (hg19) VCF-style: chr1-156845394-C-T.
Other names: c.1437C>T (NM_002529.3); c.1329C>T, p.Thr443= (NM_001007792.1); c.1419C>T, p.Thr473= (NM_001012331.2).
Identifiers: ClinVar variation 456608 (VCV000456608.31), dbSNP rs770948722, ClinGen allele CA1169326.